The following is an entry in ClinVar:

ClinVar aggregate classification (germline): Uncertain significance (1 of 4 stars; one submission).

Conditions:
Epidermodysplasia verruciformis. Identifiers: Orphanet 302, MedGen C0014522, MONDO:0009176.

Allele frequency attached by ClinVar (database versions not stated): gnomAD 0.00001 and 0.00002; ExAC 0.00005; TOPMed 0.00003.
gnomAD v4.1: 29 of 1,612,804 alleles (0.0018%); highest among the groups gnomAD compares: East Asian, 0.04%; no homozygotes.

Submission:

Labcorp Genetics (formerly Invitae), Labcorp
Classification: Uncertain significance for Epidermodysplasia verruciformis. Last evaluated: 2022-05-21. Review status: criteria provided, single submitter. Criteria: Invitae Variant Classification Sherloc (09022015). Collection method: clinical testing. Allele origin: germline.
Comment: This sequence change replaces glycine, which is neutral and non-polar, with arginine, which is basic and polar, at codon 103 of the TMC8 protein (p.Gly103Arg). This variant is present in population databases (rs755470929, gnomAD 0.1%). This variant has not been reported in the literature in individuals affected with TMC8-related conditions. Algorithms developed to predict the effect of missense changes on protein structure and function are either unavailable or do not agree on the potential impact of this missense change (SIFT: "Deleterious"; PolyPhen-2: "Benign"; Align-GVGD: "Class C0"). In summary, the available evidence is currently insufficient to determine the role of this variant in disease. Therefore, it has been classified as a Variant of Uncertain Significance.

NM_152468.5(TMC8):c.307G>C (p.Gly103Arg)

Genes: TMC6 (transmembrane channel like 6; minus strand), TMC8 (transmembrane channel like 8; plus strand), LOC130061793 (ATAC-STARR-seq lymphoblastoid silent region 9044; plus strand). Cytogenetic location: 17q25.3.
Variant type: single nucleotide variant.
Coding change: c.307G>C on transcript NM_152468.5 (MANE Select); coding-DNA position 307, G replaced by C.
Protein change: p.Gly103Arg; replaces glycine 103 with arginine.
Molecular consequence: missense variant. On other transcripts: 5 prime UTR variant (1).
Genome position (GRCh38, 1-based): chr17:78,132,367, G>C. VCF-style: chr17-78132367-G-C. GRCh37 (hg19) VCF-style: chr17-76128448-G-C.
Other names: c.-101C>G (NM_007267.7); short protein forms G103R.
Identifiers: ClinVar variation 1429410 (VCV001429410.4), dbSNP rs755470929, ClinGen allele CA8796412.